The following is an entry in ClinVar:

ClinVar aggregate classification (germline): Benign/Likely benign. Review status: criteria provided, multiple submitters, no conflicts (2 of 4 stars). 10 submissions from 10 submitters: Benign (4); Likely benign (4). 2 of the submissions do not count toward it. Last evaluated 2026-01-26.

Conditions:
BCKDHA-related disorder. Also called: BCKDHA-related condition.
Inborn genetic diseases. Identifiers: MedGen C0950123, MeSH D030342.
Maple syrup urine disease type 1A (MSUD1A). Also called: MSUD type 1A. Identifiers: MedGen C1855369, MONDO:0023691, OMIM 248600.
Maple syrup urine disease (MSUD). Identifiers: Orphanet 511, MedGen C0024776, MeSH D008375, MONDO:0009563. Disease mechanism: loss of function.

Allele frequency attached by ClinVar (database versions not stated): 1000 Genomes Project 30x 0.00141; 1000 Genomes Project 0.00180; ExAC 0.00320; gnomAD exomes 0.00332 and 0.00523; TOPMed 0.00342; gnomAD 0.00346 and 0.00365; ESP Exome Variant Server 0.00484.
gnomAD v4.1: 8,176 of 1,613,668 alleles (0.51%); highest among the groups gnomAD compares: Non-Finnish European, 0.64%; 28 homozygotes.

Submissions (10):

Labcorp Genetics (formerly Invitae), Labcorp
Classification: Benign for Maple syrup urine disease. Last evaluated: 2026-01-26. Review status: criteria provided, single submitter. Criteria: Invitae Variant Classification Sherloc (09022015). Collection method: clinical testing. Allele origin: germline.

Blueprint Genetics
Classification: Likely benign. Last evaluated: 2024-11-25. Review status: criteria provided, single submitter. Criteria: ACMG Guidelines, 2015. Collection method: clinical testing. Allele origin: germline.

CeGaT Center for Human Genetics Tuebingen
Classification: Likely benign. Last evaluated: 2023-05-01. Review status: criteria provided, single submitter. Criteria: CeGaT Center For Human Genetics Tuebingen Variant Classification Criteria Version 2. Collection method: clinical testing. Allele origin: germline. Affected: yes. Observed: 2 variant alleles.
Comment: BCKDHA: BP4, BS2

Ambry Genetics
Classification: Likely benign for Inborn genetic diseases. Last evaluated: 2022-04-01. Review status: criteria provided, single submitter. Criteria: Ambry Variant Classification Scheme 2023. Collection method: clinical testing. Allele origin: germline.

GeneDx
Classification: Benign. Last evaluated: 2020-05-05. Review status: criteria provided, single submitter. Criteria: GeneDx Variant Classification Process June 2021. Collection method: clinical testing. Allele origin: germline. Affected: yes.

ARUP Laboratories, Molecular Genetics and Genomics, ARUP Laboratories
Classification: Benign for Maple syrup urine disease type 1A. Last evaluated: 2020-03-23. Review status: criteria provided, single submitter. Criteria: ARUP Molecular Germline Variant Investigation Process. Collection method: clinical testing. Allele origin: germline.

Illumina Laboratory Services, Illumina
Classification: Likely benign for Maple syrup urine disease type 1A. Last evaluated: 2018-01-12. Review status: criteria provided, single submitter. Criteria: ICSL Variant Classification Criteria 13 December 2019. Collection method: clinical testing. Allele origin: germline.
Comment: This variant was observed in the ICSL laboratory as part of a predisposition screen in an ostensibly healthy population. It had not been previously curated by ICSL or reported in the Human Gene Mutation Database (HGMD: prior to June 1st, 2018), and was therefore a candidate for classification through an automated scoring system. Utilizing variant allele frequency, disease prevalence and penetrance estimates, and inheritance mode, an automated score was calculated to assess if this variant is too frequent to cause the disease. Based on the score and internal cut-off values, a variant classified as likely benign is not then subjected to further curation. The score for this variant resulted in a classification of likely benign for this disease.

Eurofins Ntd Llc (ga)
Classification: Benign. Last evaluated: 2014-03-04. Review status: criteria provided, single submitter. Criteria: EGL Classification Definitions 2015. Collection method: clinical testing. Allele origin: germline. Observed: 1 variant allele, 1 heterozygote.

Natera, Inc.
Classification: Benign for Maple syrup urine disease type 1A. Last evaluated: 2021-02-28. Review status: no assertion criteria provided. Collection method: clinical testing. Allele origin: germline. Not counted in ClinVar's aggregate classification.

PreventionGenetics, part of Exact Sciences
Classification: Likely benign for BCKDHA-related condition. Last evaluated: 2019-05-08. Review status: no assertion criteria provided. Collection method: clinical testing. Allele origin: germline. Not counted in ClinVar's aggregate classification.
Comment: This variant is classified as likely benign based on ACMG/AMP sequence variant interpretation guidelines (Richards et al. 2015 PMID: 25741868, with internal and published modifications).

NM_000709.4(BCKDHA):c.975C>T (p.Leu325=)

Gene: BCKDHA (branched chain keto acid dehydrogenase E1 subunit alpha; plus strand). Cytogenetic location: 19q13.2.
Variant type: single nucleotide variant.
Coding change: c.975C>T on transcript NM_000709.4 (MANE Select); coding-DNA position 975, C replaced by T.
Protein change: p.Leu325=; no amino-acid change (leucine 325 retained).
Molecular consequence: synonymous variant.
Genome position (GRCh38, 1-based): chr19:41,422,750, C>T. VCF-style: chr19-41422750-C-T. GRCh37 (hg19) VCF-style: chr19-41928655-C-T.
Other names: c.972C>T, p.Leu324= (NM_001164783.2).
Identifiers: ClinVar variation 93383 (VCV000093383.57), dbSNP rs55940366, ClinGen allele CA146879.
Genomic context (GRCh38, chr19:41,422,750, plus strand): 5'-CGTATACAACGCCACAAAGGAGGCCCGACGGCGGGCTGTGGCAGAGAACCAGCCCTTCCT[C>T]ATCGAGGCCATGACCTACAGGTGCCTGCCGCTCCCCCCGTCAGCACCCCCACAGCACTGA-3'
Protein context (NP_000700.1, residues 315-335): RRAVAENQPF[Leu325=]IEAMTYRIGH